The following is an entry in ClinVar:

ClinVar aggregate classification (germline): Likely benign (1 of 4 stars; one submission).

gnomAD v4.1: 1 of 1,211,532 alleles (0.000083%); highest among the groups gnomAD compares: Non-Finnish European, 0.00011%; no homozygotes.

Submission:

CeGaT Center for Human Genetics Tuebingen
Classification: Likely benign. Last evaluated: 2026-04-01. Review status: criteria provided, single submitter. Criteria: CeGaT Center For Human Genetics Tuebingen Variant Classification Criteria Version 2. Collection method: clinical testing. Allele origin: germline. Affected: yes. Observed: 1 variant allele.
Comment: CLCN4: BP4, BP7

NM_001830.4(CLCN4):c.2034G>A (p.Glu678=)

Gene: CLCN4 (Cl-/H+ antiporter 4; plus strand). Cytogenetic location: Xp22.2.
Variant type: single nucleotide variant.
Coding change: c.2034G>A on transcript NM_001830.4 (MANE Select); coding-DNA position 2034, G replaced by A.
Protein change: p.Glu678=; no amino-acid change (glutamic acid 678 retained).
Molecular consequence: synonymous variant.
Genome position (GRCh38, 1-based): chrX:10,220,719, G>A. VCF-style: chrX-10220719-G-A. GRCh37 (hg19) VCF-style: chrX-10188759-G-A.
Other names: c.1752G>A, p.Glu584= (NM_001256944.2).
Identifiers: ClinVar variation 4873994 (VCV004873994.2).